The following is an entry in ClinVar:

NM_015378.4(VPS13D):c.12408_12409dup (p.Tyr4137fs)

Gene: VPS13D (vacuolar protein sorting 13 homolog D; plus strand). Cytogenetic location: 1p36.22.
Variant type: Duplication.
Coding change: c.12408_12409dup on transcript NM_015378.4 (MANE Select); coding-DNA positions 12408 to 12409, 2 bases duplicated (GT; older notation c.12408_12409dupGT).
Protein change: p.Tyr4137fs; shifts the reading frame from tyrosine 4137.
Molecular consequence: frameshift variant.
Genome position (GRCh38, 1-based): chr1:12,456,072-12,456,073, GT duplicated. VCF-style (leftmost placement, unchanged base first): chr1-12456071-G-GGT. GRCh37 (hg19) VCF-style: chr1-12516127-G-GGT.
Other names: c.12333_12334dup, p.Tyr4112fs (NM_018156.4); short protein forms Y4112fs, Y4137fs.
Identifiers: ClinVar variation 4293136 (VCV004293136.1).
Genomic context (GRCh38, chr1:12,456,071, plus strand): 5'-TATCAGATGGCTTAGGGAAGACGATGGACAATCGGCATCAGTCAGAGCGGGAGTACATCA[G>GGT]GTACCATGCAGCCACAAGTGGTGAACACCTTGTAGCCGGCATCCATGGCCTGGCTCATGG-3'

ClinVar aggregate classification (germline): Likely pathogenic (1 of 4 stars; one submission).

Conditions:
Autosomal recessive cerebellar ataxia-saccadic intrusion syndrome. Also called: VPS13D Movement Disorder; SPINOCEREBELLAR ATAXIA 24. Identifiers: Orphanet 95434, MedGen C1846492, MONDO:0011811, OMIM 607317.

Submission:

3billion
Classification: Likely pathogenic for Autosomal recessive cerebellar ataxia-saccadic intrusion syndrome. Last evaluated: 2025-02-17. Review status: criteria provided, single submitter. Criteria: ACMG Guidelines, 2015. Collection method: clinical testing. Allele origin: germline. Affected: yes.
Comment: The variant is not observed in the gnomAD v4.1.0 dataset. Predicted Consequence/Location: Frameshift: predicted to result in a loss or disruption of normal protein function through nonsense-mediated decay (NMD) or protein truncation. Multiple pathogenic variants are reported downstream of the variant. Therefore, this variant is classified as Likely pathogenic according to the recommendation of ACMG/AMP guideline.